The following is an entry in ClinVar:

ClinVar aggregate classification (germline): Uncertain significance (1 of 4 stars; one submission).

Conditions:
Actin accumulation myopathy (CMYO2A). Also called: CONGENITAL MYOPATHY 2A, TYPICAL, AUTOSOMAL DOMINANT; Nemaline myopathy type 3; Myopathy, actin, congenital, with excess of thin myofilaments; Myopathy, actin, congenital, with cores; Nemaline myopathy 3, with intranuclear rods. Identifiers: Orphanet 98904, MedGen C3711389, MONDO:0008070, OMIM 161800.

Submission:

Labcorp Genetics (formerly Invitae), Labcorp
Classification: Uncertain significance for Actin accumulation myopathy. Last evaluated: 2023-06-24. Review status: criteria provided, single submitter. Criteria: Invitae Variant Classification Sherloc (09022015). Collection method: clinical testing. Allele origin: germline.
Comment: This variant is not present in population databases (gnomAD no frequency). In summary, the available evidence is currently insufficient to determine the role of this variant in disease. Therefore, it has been classified as a Variant of Uncertain Significance. Advanced modeling of protein sequence and biophysical properties (such as structural, functional, and spatial information, amino acid conservation, physicochemical variation, residue mobility, and thermodynamic stability) performed at Invitae indicates that this missense variant is not expected to disrupt ACTA1 protein function. This variant has not been reported in the literature in individuals affected with ACTA1-related conditions. This sequence change replaces serine, which is neutral and polar, with proline, which is neutral and non-polar, at codon 237 of the ACTA1 protein (p.Ser237Pro).

NM_001100.4(ACTA1):c.709T>C (p.Ser237Pro)

Gene: ACTA1 (actin alpha 1, skeletal muscle; minus strand). Cytogenetic location: 1q42.13.
Variant type: single nucleotide variant.
Coding change: c.709T>C on transcript NM_001100.4 (MANE Select); coding-DNA position 709, T replaced by C.
Protein change: p.Ser237Pro; replaces serine 237 with proline.
Molecular consequence: missense variant.
Genome position (GRCh38, 1-based): chr1:229,432,093, A>G on the plus strand (T>C on the coding strand, the complement: ACTA1 is on the minus strand). VCF-style: chr1-229432093-A-G. GRCh37 (hg19) VCF-style: chr1-229567840-A-G.
Other names: short protein forms S237P.
Identifiers: ClinVar variation 2989244 (VCV002989244.3), dbSNP rs2527437274, ClinGen allele CA345146938.